The following is an entry in ClinVar:

NM_001360.3(DHCR7):c.37A>G (p.Lys13Glu)

Gene: DHCR7 (7-dehydrocholesterol reductase; minus strand). Cytogenetic location: 11q13.4.
Variant type: single nucleotide variant.
Coding change: c.37A>G on transcript NM_001360.3 (MANE Select); coding-DNA position 37, A replaced by G.
Protein change: p.Lys13Glu; replaces lysine 13 with glutamic acid.
Molecular consequence: missense variant.
Genome position (GRCh38, 1-based): chr11:71,444,916, T>C on the plus strand (A>G on the coding strand, the complement: DHCR7 is on the minus strand). VCF-style: chr11-71444916-T-C. GRCh37 (hg19) VCF-style: chr11-71155962-T-C.
Other names: c.37A>G, p.Lys13Glu (NM_001163817.2, NM_001425107.1, NM_001425108.1 and 11 more transcripts); c.-209A>G (NM_001425117.1); short protein forms K13E.
Identifiers: ClinVar variation 2913675 (VCV002913675.4), dbSNP rs1440025932, ClinGen allele CA381697069.

ClinVar aggregate classification (germline): Uncertain significance. Review status: criteria provided, multiple submitters, no conflicts (2 of 4 stars). 2 submissions from 2 submitters: Uncertain significance (2). Last evaluated 2024-04-22.

Conditions:
Smith-Lemli-Opitz syndrome (SLOS). Also called: LETHAL ACRODYSGENITAL SYNDROME; POLYDACTYLY, SEX REVERSAL, RENAL HYPOPLASIA, AND UNILOBAR LUNG; RSH SYNDROME; RUTLEDGE LETHAL MULTIPLE CONGENITAL ANOMALY SYNDROME; 7-Dehydrocholesterol reductase deficiency. Identifiers: Orphanet 818, MedGen C0175694, MONDO:0010035, OMIM 270400.

Submissions (2):

Fulgent Genetics
Classification: Uncertain significance for Smith-Lemli-Opitz syndrome. Last evaluated: 2024-04-22. Review status: criteria provided, single submitter. Criteria: ACMG Guidelines, 2015. Collection method: clinical testing. Allele origin: germline.

Labcorp Genetics (formerly Invitae), Labcorp
Classification: Uncertain significance for Smith-Lemli-Opitz syndrome. Last evaluated: 2024-03-13. Review status: criteria provided, single submitter. Criteria: Invitae Variant Classification Sherloc (09022015). Collection method: clinical testing. Allele origin: germline.
Comment: This sequence change replaces lysine, which is basic and polar, with glutamic acid, which is acidic and polar, at codon 13 of the DHCR7 protein (p.Lys13Glu). This variant is present in population databases (no rsID available, gnomAD 0.003%). This variant has not been reported in the literature in individuals affected with DHCR7-related conditions. Advanced modeling of protein sequence and biophysical properties (such as structural, functional, and spatial information, amino acid conservation, physicochemical variation, residue mobility, and thermodynamic stability) performed at Invitae indicates that this missense variant is not expected to disrupt DHCR7 protein function with a negative predictive value of 95%. In summary, the available evidence is currently insufficient to determine the role of this variant in disease. Therefore, it has been classified as a Variant of Uncertain Significance.